The following is an entry in ClinVar:

NM_031935.3(HMCN1):c.16703C>T (p.Thr5568Ile)

Gene: HMCN1 (hemicentin 1; plus strand). Cytogenetic location: 1q31.1.
Variant type: single nucleotide variant.
Coding change: c.16703C>T on transcript NM_031935.3 (MANE Select); coding-DNA position 16703, C replaced by T.
Protein change: p.Thr5568Ile; replaces threonine 5568 with isoleucine.
Molecular consequence: missense variant.
Genome position (GRCh38, 1-based): chr1:186,189,673, C>T. VCF-style: chr1-186189673-C-T. GRCh37 (hg19) VCF-style: chr1-186158805-C-T.
Other names: c.16703C>T (NM_031935.2); short protein forms T5568I.
Identifiers: ClinVar variation 2191102 (VCV002191102.5), dbSNP rs1463271472, ClinGen allele CA343905380.

ClinVar aggregate classification (germline): Uncertain significance. Review status: criteria provided, multiple submitters, no conflicts (2 of 4 stars). 2 submissions from 2 submitters: Uncertain significance (2). Last evaluated 2024-03-07.

Allele frequency attached by ClinVar (database versions not stated): gnomAD exomes 0.00001; gnomAD 0.00003.
gnomAD v4.1: 12 of 1,612,024 alleles (0.00074%); highest among the groups gnomAD compares: Admixed American, 0.0067%; no homozygotes.

Submissions (2):

Ambry Genetics
Classification: Uncertain significance. Last evaluated: 2024-03-07. Review status: criteria provided, single submitter. Criteria: Ambry Variant Classification Scheme 2023. Collection method: clinical testing. Allele origin: germline.

Labcorp Genetics (formerly Invitae), Labcorp
Classification: Uncertain significance. Last evaluated: 2022-06-27. Review status: criteria provided, single submitter. Criteria: Invitae Variant Classification Sherloc (09022015). Collection method: clinical testing. Allele origin: germline.
Comment: This variant has not been reported in the literature in individuals affected with HMCN1-related conditions. This sequence change replaces threonine, which is neutral and polar, with isoleucine, which is neutral and non-polar, at codon 5568 of the HMCN1 protein (p.Thr5568Ile). The frequency data for this variant in the population databases is considered unreliable, as metrics indicate poor data quality at this position in the gnomAD database. Algorithms developed to predict the effect of missense changes on protein structure and function are either unavailable or do not agree on the potential impact of this missense change (SIFT: "Deleterious"; PolyPhen-2: "Probably Damaging"; Align-GVGD: "Class C0"). In summary, the available evidence is currently insufficient to determine the role of this variant in disease. Therefore, it has been classified as a Variant of Uncertain Significance.